The following is an entry in ClinVar:

ClinVar aggregate classification (germline): Benign/Likely benign. Review status: criteria provided, multiple submitters, no conflicts (2 of 4 stars). 2 submissions from 2 submitters: Benign (1); Likely benign (1). Last evaluated 2024-12-30.

Conditions:
Hereditary nonpolyposis colorectal neoplasms. Identifiers: MedGen C0009405, MeSH D003123.
Lynch syndrome 5 (LYNCH5). Also called: Hereditary non-polyposis colorectal cancer, type 5; Colorectal cancer, hereditary nonpolyposis, type 5. Identifiers: Orphanet 144, MedGen C1833477, MONDO:0013710, OMIM 614350. Disease mechanism: loss of function.

Submissions (2):

Myriad Genetics, Inc.
Classification: Benign for Lynch syndrome 5. Last evaluated: 2024-12-30. Review status: criteria provided, single submitter. Criteria: Myriad Autosomal Dominant, Autosomal Recessive and X-Linked Classification Criteria (2023). Collection method: clinical testing. Allele origin: unknown.
Comment: This variant is considered benign. This variant is a silent/synonymous amino acid change and it is not expected to impact splicing.

Labcorp Genetics (formerly Invitae), Labcorp
Classification: Likely benign for Hereditary nonpolyposis colorectal neoplasms. Last evaluated: 2024-05-22. Review status: criteria provided, single submitter. Criteria: Invitae Variant Classification Sherloc (09022015). Collection method: clinical testing. Allele origin: germline.

NM_000179.3(MSH6):c.2007T>C (p.Ile669=)

Gene: MSH6 (mutS homolog 6; plus strand). Cytogenetic location: 2p16.3.
Variant type: single nucleotide variant.
Coding change: c.2007T>C on transcript NM_000179.3 (MANE Select); coding-DNA position 2007, T replaced by C.
Protein change: p.Ile669=; no amino-acid change (isoleucine 669 retained).
Molecular consequence: synonymous variant.
Genome position (GRCh38, 1-based): chr2:47,799,990, T>C. VCF-style: chr2-47799990-T-C. GRCh37 (hg19) VCF-style: chr2-48027129-T-C.
Other names: c.1617T>C, p.Ile539= (NM_001281492.2); c.1101T>C, p.Ile367= (NM_001281493.2, NM_001281494.2).
Identifiers: ClinVar variation 1138457 (VCV001138457.10), dbSNP rs1197355399, ClinGen allele CA426121305.